The following is an entry in ClinVar:

NM_001253697.2(ERBIN):c.493A>G (p.Ile165Val)

Gene: ERBIN (erbb2 interacting protein; plus strand). Cytogenetic location: 5q12.3.
Variant type: single nucleotide variant.
Coding change: c.493A>G on transcript NM_001253697.2 (MANE Select); coding-DNA position 493, A replaced by G.
Protein change: p.Ile165Val; replaces isoleucine 165 with valine.
Molecular consequence: missense variant.
Genome position (GRCh38, 1-based): chr5:66,014,685, A>G. VCF-style: chr5-66014685-A-G. GRCh37 (hg19) VCF-style: chr5-65310513-A-G.
Other names: c.493A>G, p.Ile165Val (NM_001006600.3, NM_001253698.2, NM_001253699.2 and 2 more transcripts); short protein forms I165V.
Identifiers: ClinVar variation 3014912 (VCV003014912.3), dbSNP rs778952769, ClinGen allele CA3285942.

ClinVar aggregate classification (germline): Uncertain significance (1 of 4 stars; one submission).

Allele frequency attached by ClinVar (database versions not stated): ExAC 0.00002; TOPMed 0.00004; gnomAD 0.00004; gnomAD exomes 0.00003.
gnomAD v4.1: 49 of 1,440,874 alleles (0.0034%); highest among the groups gnomAD compares: Non-Finnish European, 0.0044%; no homozygotes.

Submission:

Labcorp Genetics (formerly Invitae), Labcorp
Classification: Uncertain significance. Last evaluated: 2025-08-21. Review status: criteria provided, single submitter. Criteria: Invitae Variant Classification Sherloc (09022015). Collection method: clinical testing. Allele origin: germline.
Comment: This sequence change replaces isoleucine, which is neutral and non-polar, with valine, which is neutral and non-polar, at codon 165 of the ERBIN protein (p.Ile165Val). This variant is present in population databases (rs778952769, gnomAD 0.009%). This variant has not been reported in the literature in individuals affected with ERBIN-related conditions. ClinVar contains an entry for this variant (Variation ID: 3014912). An algorithm developed to predict the effect of missense changes on protein structure and function (PolyPhen-2) suggests that this variant is likely to be tolerated. In summary, the available evidence is currently insufficient to determine the role of this variant in disease. Therefore, it has been classified as a Variant of Uncertain Significance.